The following is an entry in ClinVar:

ClinVar aggregate classification (germline): Uncertain significance (1 of 4 stars; one submission).

gnomAD v4.1: 3 of 1,614,078 alleles (0.00019%); highest among the groups gnomAD compares: South Asian, 0.0011%; no homozygotes.

Submission:

GeneDx
Classification: Uncertain significance. Last evaluated: 2024-04-22. Review status: criteria provided, single submitter. Criteria: GeneDx Variant Classification Process June 2021. Collection method: clinical testing. Allele origin: germline. Affected: yes.
Comment: Not observed at significant frequency in large population cohorts (gnomAD); In silico analysis indicates that this missense variant does not alter protein structure/function; Has not been previously published as pathogenic or benign to our knowledge

NM_174889.5(NDUFAF2):c.52G>A (p.Glu18Lys)

Gene: NDUFAF2 (NADH:ubiquinone oxidoreductase complex assembly factor 2; plus strand). Cytogenetic location: 5q12.1.
Variant type: single nucleotide variant.
Coding change: c.52G>A on transcript NM_174889.5 (MANE Select); coding-DNA position 52, G replaced by A.
Protein change: p.Glu18Lys; replaces glutamic acid 18 with lysine.
Molecular consequence: missense variant.
Genome position (GRCh38, 1-based): chr5:60,945,307, G>A. VCF-style: chr5-60945307-G-A. GRCh37 (hg19) VCF-style: chr5-60241134-G-A.
Other names: short protein forms E18K.
Identifiers: ClinVar variation 3372858 (VCV003372858.1).